The following is an entry in ClinVar:

NM_198252.3(GSN):c.1755C>T (p.Ser585=)

Gene: GSN (gelsolin; plus strand). Cytogenetic location: 9q33.2.
Variant type: single nucleotide variant.
Coding change: c.1755C>T on transcript NM_198252.3 (MANE Select); coding-DNA position 1755, C replaced by T.
Protein change: p.Ser585=; no amino-acid change (serine 585 retained).
Molecular consequence: synonymous variant.
Genome position (GRCh38, 1-based): chr9:121,327,475, C>T. VCF-style: chr9-121327475-C-T. GRCh37 (hg19) VCF-style: chr9-124089753-C-T.
Other names: c.1908C>T, p.Ser636= (NM_000177.5); c.1755C>T, p.Ser585= (NM_001127662.2, NM_001127664.2, NM_001127665.2 and 10 more transcripts); c.1863C>T, p.Ser621= (NM_001127663.2); c.1788C>T, p.Ser596= (NM_001127666.2, NM_001127667.2, NM_001353063.2 and 13 more transcripts); c.1806C>T, p.Ser602= (NM_001258029.2); c.1779C>T, p.Ser593= (NM_001258030.2); c.1827C>T, p.Ser609= (NM_001353076.2); c.1101C>T, p.Ser367= (NM_001353078.2).
Identifiers: ClinVar variation 2148949 (VCV002148949.6), dbSNP rs1456102520, ClinGen allele CA466962906.
Genomic context (GRCh38, chr9:121,327,475, plus strand): 5'-GGGGGCCCAGGAGCTGCTCAGGGTGCTGCGGGCCCAACCTGTGCAGGTGGCAGAAGGCAG[C>T]GAGCCAGGTAGGAGCCGGGGTGGGGGGCCTGCTGCTGTCCGGATGCAGCTATTAAGTTTC-3'
Protein context (NP_937895.1, residues 575-595): RAQPVQVAEG[Ser585=]EPDGFWEALG

ClinVar aggregate classification (germline): Likely benign. Review status: criteria provided, multiple submitters, no conflicts (2 of 4 stars). 2 submissions from 2 submitters: Likely benign (2). Last evaluated 2026-06-01.

Allele frequency attached by ClinVar (database versions not stated): gnomAD 0.00001; TOPMed 0.00002.
gnomAD v4.1: 32 of 1,572,926 alleles (0.002%); highest among the groups gnomAD compares: Admixed American, 0.0037%; no homozygotes.

Submissions (2):

CeGaT Center for Human Genetics Tuebingen
Classification: Likely benign. Last evaluated: 2026-06-01. Review status: criteria provided, single submitter. Criteria: CeGaT Center For Human Genetics Tuebingen Variant Classification Criteria Version 2. Collection method: clinical testing. Allele origin: germline. Affected: yes. Observed: 1 variant allele.
Comment: GSN: BP4, BP7

Labcorp Genetics (formerly Invitae), Labcorp
Classification: Likely benign. Last evaluated: 2025-09-23. Review status: criteria provided, single submitter. Criteria: Invitae Variant Classification Sherloc (09022015). Collection method: clinical testing. Allele origin: germline.